The following is an entry in ClinVar:

NM_145045.5(ODAD3):c.1705G>T (p.Val569Leu)

Gene: ODAD3 (outer dynein arm docking complex subunit 3; minus strand). Cytogenetic location: 19p13.2.
Variant type: single nucleotide variant.
Coding change: c.1705G>T on transcript NM_145045.5 (MANE Select); coding-DNA position 1705, G replaced by T.
Protein change: p.Val569Leu; replaces valine 569 with leucine.
Molecular consequence: missense variant.
Genome position (GRCh38, 1-based): chr19:11,420,918, C>A on the plus strand (G>T on the coding strand, the complement: ODAD3 is on the minus strand). VCF-style: chr19-11420918-C-A. GRCh37 (hg19) VCF-style: chr19-11531586-C-A.
Other names: c.1543G>T, p.Val515Leu (NM_001302453.1); c.1525G>T, p.Val509Leu (NM_001302454.2); short protein forms V569L, V515L, V509L.
Identifiers: ClinVar variation 241943 (VCV000241943.14), dbSNP rs544310246, ClinGen allele CA9211923.

ClinVar aggregate classification (germline): Benign. Review status: criteria provided, single submitter (1 of 4 stars). 2 submissions from 2 submitters: Benign (1). 1 of the submissions does not count toward it. Last evaluated 2024-06-02.

Conditions:
Primary ciliary dyskinesia 30. Also called: CILIARY DYSKINESIA, PRIMARY, 30, WITH OR WITHOUT SITUS INVERSUS. Identifiers: Orphanet 244, MedGen C4015016, MONDO:0014465, OMIM 616037.
ODAD3-related disorder. Also called: ODAD3-related condition.

Allele frequency attached by ClinVar (database versions not stated): gnomAD below 0.00001 and 0.00011; 1000 Genomes Project 0.00040; 1000 Genomes Project 30x 0.00047; ExAC 0.00049.
gnomAD v4.1: 307 of 1,613,962 alleles (0.019%); highest among the groups gnomAD compares: South Asian, 0.32%; 2 homozygotes.

Submissions (2):

Labcorp Genetics (formerly Invitae), Labcorp
Classification: Benign for Primary ciliary dyskinesia 30. Last evaluated: 2024-06-02. Review status: criteria provided, single submitter. Criteria: Invitae Variant Classification Sherloc (09022015). Collection method: clinical testing. Allele origin: germline.

PreventionGenetics, part of Exact Sciences
Classification: Likely benign for ODAD3-related condition. Last evaluated: 2023-06-23. Review status: no assertion criteria provided. Collection method: clinical testing. Allele origin: germline. Not counted in ClinVar's aggregate classification.
Comment: This variant is classified as likely benign based on ACMG/AMP sequence variant interpretation guidelines (Richards et al. 2015 PMID: 25741868, with internal and published modifications).